The following is an entry in ClinVar:

NM_001018005.2(TPM1):c.158C>T (p.Thr53Ile)

Gene: TPM1 (tropomyosin 1; plus strand). Cytogenetic location: 15q22.2.
Variant type: single nucleotide variant.
Coding change: c.158C>T on transcript NM_001018005.2 (MANE Select); coding-DNA position 158, C replaced by T.
Protein change: p.Thr53Ile; replaces threonine 53 with isoleucine.
Molecular consequence: missense variant. On other transcripts: intron variant (3).
Genome position (GRCh38, 1-based): chr15:63,044,070, C>T. VCF-style: chr15-63044070-C-T. GRCh37 (hg19) VCF-style: chr15-63336269-C-T.
Other names: c.158C>T, p.Thr53Ile (NM_000366.6, NM_001018004.2, NM_001018006.2 and 3 more transcripts); c.284C>T, p.Thr95Ile (NM_001365778.1); c.240+239C>T (NM_001018020.2, NM_001018007.2, NM_001301244.2); c.158C>T (NM_001018005.1); short protein forms T95I, T53I.
Identifiers: ClinVar variation 1485194 (VCV001485194.9), dbSNP rs2140628162, ClinGen allele CA392718571.

ClinVar aggregate classification (germline): Uncertain significance. Review status: criteria provided, multiple submitters, no conflicts (2 of 4 stars). 2 submissions from 2 submitters: Uncertain significance (2). Last evaluated 2025-07-29.

Conditions:
Hypertrophic cardiomyopathy. Also called: HYPERTROPHIC MYOCARDIOPATHY. Identifiers: Orphanet 217569, MedGen C0007194, MeSH D002312, MONDO:0005045, HP:0001639.

Submissions (2):

GeneDx
Classification: Uncertain significance. Last evaluated: 2025-07-29. Review status: criteria provided, single submitter. Criteria: GeneDx Variant Classification Process June 2021. Collection method: clinical testing. Allele origin: germline. Affected: yes.
Comment: Not observed at significant frequency in large population cohorts (gnomAD); In silico analysis supports that this missense variant has a deleterious effect on protein structure/function; Has not been previously published as pathogenic or benign to our knowledge

Labcorp Genetics (formerly Invitae), Labcorp
Classification: Uncertain significance for Hypertrophic cardiomyopathy. Last evaluated: 2020-11-15. Review status: criteria provided, single submitter. Criteria: Invitae Variant Classification Sherloc (09022015). Collection method: clinical testing. Allele origin: germline.
Comment: This sequence change replaces threonine with isoleucine at codon 53 of the TPM1 protein (p.Thr53Ile). The threonine residue is moderately conserved and there is a moderate physicochemical difference between threonine and isoleucine. This variant is not present in population databases (ExAC no frequency). This variant has not been reported in the literature in individuals with TPM1-related conditions. Algorithms developed to predict the effect of missense changes on protein structure and function (SIFT, PolyPhen-2, Align-GVGD) all suggest that this variant is likely to be tolerated, but these predictions have not been confirmed by published functional studies and their clinical significance is uncertain. In summary, the available evidence is currently insufficient to determine the role of this variant in disease. Therefore, it has been classified as a Variant of Uncertain Significance.